The following is an entry in ClinVar:

ClinVar aggregate classification (germline): Uncertain significance. Review status: criteria provided, multiple submitters, no conflicts (2 of 4 stars). 2 submissions from 2 submitters: Uncertain significance (2). Last evaluated 2023-08-10.

Conditions:
Renal cell carcinoma. Identifiers: Orphanet 217071, MedGen C0007134, MeSH D002292, MONDO:0005086, HP:0005584.
Hereditary cancer-predisposing syndrome. Also called: Neoplastic Syndromes, Hereditary; Tumor predisposition; Hereditary Cancer Syndrome; Hereditary neoplastic syndrome. Identifiers: Orphanet 140162, MedGen C0027672, MeSH D009386, MONDO:0015356.

Allele frequency attached by ClinVar (database versions not stated): gnomAD exomes below 0.00001.
gnomAD v4.1: 3 of 1,613,962 alleles (0.00019%); highest among the groups gnomAD compares: East Asian, 0.0022%; no homozygotes.

Submissions (2):

Labcorp Genetics (formerly Invitae), Labcorp
Classification: Uncertain significance for Renal cell carcinoma. Last evaluated: 2023-08-10. Review status: criteria provided, single submitter. Criteria: Invitae Variant Classification Sherloc (09022015). Collection method: clinical testing. Allele origin: germline.
Comment: In summary, the available evidence is currently insufficient to determine the role of this variant in disease. Therefore, it has been classified as a Variant of Uncertain Significance. This sequence change replaces proline, which is neutral and non-polar, with leucine, which is neutral and non-polar, at codon 1171 of the MET protein (p.Pro1171Leu). This variant is not present in population databases (gnomAD no frequency). This variant has not been reported in the literature in individuals affected with MET-related conditions. ClinVar contains an entry for this variant (Variation ID: 999857). Advanced modeling of protein sequence and biophysical properties (such as structural, functional, and spatial information, amino acid conservation, physicochemical variation, residue mobility, and thermodynamic stability) performed at Invitae indicates that this missense variant is expected to disrupt MET protein function.

Ambry Genetics
Classification: Uncertain significance for Hereditary cancer-predisposing syndrome. Last evaluated: 2023-05-01. Review status: criteria provided, single submitter. Criteria: Ambry Variant Classification Scheme 2023. Collection method: clinical testing. Allele origin: germline.
Comment: The p.P1171L variant (also known as c.3512C>T), located in coding exon 16 of the MET gene, results from a C to T substitution at nucleotide position 3512. The proline at codon 1171 is replaced by leucine, an amino acid with similar properties. This amino acid position is highly conserved in available vertebrate species. In addition, the in silico prediction for this alteration is inconclusive. Since supporting evidence is limited at this time, the clinical significance of this alteration remains unclear.

NM_000245.4(MET):c.3458C>T (p.Pro1153Leu)

Gene: MET (MET proto-oncogene, receptor tyrosine kinase; plus strand). Cytogenetic location: 7q31.2.
Variant type: single nucleotide variant.
Coding change: c.3458C>T on transcript NM_000245.4 (MANE Select); coding-DNA position 3458, C replaced by T.
Protein change: p.Pro1153Leu; replaces proline 1153 with leucine.
Molecular consequence: missense variant.
Genome position (GRCh38, 1-based): chr7:116,778,893, C>T. VCF-style: chr7-116778893-C-T. GRCh37 (hg19) VCF-style: chr7-116418947-C-T.
Other names: c.3512C>T, p.Pro1171Leu (NM_001127500.3); c.2168C>T, p.Pro723Leu (NM_001324402.2); c.3512C>T (NM_001127500.1); short protein forms P1153L, P1171L, P723L.
Identifiers: ClinVar variation 999857 (VCV000999857.11), dbSNP rs1795071897, ClinGen allele CA368990195.